The following is an entry in ClinVar:

ClinVar aggregate classification (germline): Uncertain significance (1 of 4 stars; one submission).

Conditions:
COG7 congenital disorder of glycosylation (CDG2E). Also called: CONGENITAL DISORDER OF GLYCOSYLATION, TYPE IIe; CDG IIe. Identifiers: Orphanet 79333, MedGen C2931010, MONDO:0012118, OMIM 608779.

Allele frequency attached by ClinVar (database versions not stated): gnomAD exomes below 0.00001.
gnomAD v4.1: 5 of 1,614,092 alleles (0.00031%); highest among the groups gnomAD compares: Non-Finnish European, 0.00042%; no homozygotes.

Submission:

Labcorp Genetics (formerly Invitae), Labcorp
Classification: Uncertain significance for COG7 congenital disorder of glycosylation. Last evaluated: 2022-08-21. Review status: criteria provided, single submitter. Criteria: Invitae Variant Classification Sherloc (09022015). Collection method: clinical testing. Allele origin: germline.
Comment: This sequence change replaces leucine, which is neutral and non-polar, with valine, which is neutral and non-polar, at codon 125 of the COG7 protein (p.Leu125Val). This variant is not present in population databases (gnomAD no frequency). This variant has not been reported in the literature in individuals affected with COG7-related conditions. Algorithms developed to predict the effect of missense changes on protein structure and function are either unavailable or do not agree on the potential impact of this missense change (SIFT: "Deleterious"; PolyPhen-2: "Possibly Damaging"; Align-GVGD: "Class C0"). In summary, the available evidence is currently insufficient to determine the role of this variant in disease. Therefore, it has been classified as a Variant of Uncertain Significance.

NM_153603.4(COG7):c.373C>G (p.Leu125Val)

Gene: COG7 (component of oligomeric golgi complex 7; minus strand). Cytogenetic location: 16p12.2.
Variant type: single nucleotide variant.
Coding change: c.373C>G on transcript NM_153603.4 (MANE Select); coding-DNA position 373, C replaced by G.
Protein change: p.Leu125Val; replaces leucine 125 with valine.
Molecular consequence: missense variant.
Genome position (GRCh38, 1-based): chr16:23,445,110, G>C on the plus strand (C>G on the coding strand, the complement: COG7 is on the minus strand). VCF-style: chr16-23445110-G-C. GRCh37 (hg19) VCF-style: chr16-23456431-G-C.
Other names: short protein forms L125V.
Identifiers: ClinVar variation 1899619 (VCV001899619.2), dbSNP rs2506667183, ClinGen allele CA395117183.
Genomic context (GRCh38, chr16:23,445,110, plus strand): 5'-GAGTCTTAAATGTCTCCTCAATATCGGCGCTCAACGTGCTCCACTTATCTGCTTCCTGAA[G>C]AGATTCGGCAGCAAGTTGCATTCTGGACTTCACTTGGTCAATTTCTACCAACACCTGAAA-3'
Protein context (NP_705831.1, residues 115-135): KSRMQLAAES[Leu125Val]QEADKWSTLS